The following is an entry in ClinVar:

NM_001291303.3(FAT4):c.1212G>T (p.Gln404His)

Gene: FAT4 (FAT atypical cadherin 4; plus strand). Cytogenetic location: 4q28.1.
Variant type: single nucleotide variant.
Coding change: c.1212G>T on transcript NM_001291303.3 (MANE Select); coding-DNA position 1212, G replaced by T.
Protein change: p.Gln404His; replaces glutamine 404 with histidine.
Molecular consequence: missense variant.
Genome position (GRCh38, 1-based): chr4:125,317,623, G>T. VCF-style: chr4-125317623-G-T. GRCh37 (hg19) VCF-style: chr4-126238778-G-T.
Other names: c.1212G>T, p.Gln404His (NM_001291285.3, NM_024582.6); c.1212G>T (NM_024582.5); short protein forms Q404H.
Identifiers: ClinVar variation 2903006 (VCV002903006.4), dbSNP rs368581391, ClinGen allele CA3071942.
Genomic context (GRCh38, chr4:125,317,623, plus strand): 5'-CGCAGATTCTCCCGCGGCCAACGGGAACATCTCCGTGCAAATTCTCGGGGGCAATGAGCA[G>T]CGCCACTTTGAAGTGCAAAGCAGCAAAGTGCCGAACCTGAGCCTAATCAAGGTGGCCAGC-3'
Protein context (NP_001278232.1, residues 394-414): ISVQILGGNE[Gln404His]RHFEVQSSKV

ClinVar aggregate classification (germline): Uncertain significance. Review status: criteria provided, multiple submitters, no conflicts (2 of 4 stars). 2 submissions from 2 submitters: Uncertain significance (2). Last evaluated 2025-09-29.

Conditions:
Van Maldergem syndrome 2 (VMLDS2). Identifiers: Orphanet 314679, MedGen C3809875, MONDO:0014242, OMIM 615546.
Hennekam lymphangiectasia-lymphedema syndrome 2 (HKLLS2). Identifiers: Orphanet 2136, MedGen C4014939, MONDO:0014454, OMIM 616006.

Allele frequency attached by ClinVar (database versions not stated): TOPMed 0.00002; ExAC 0.00003; ESP Exome Variant Server 0.00008; gnomAD 0.00002; gnomAD exomes 0.00003.
gnomAD v4.1: 52 of 1,613,908 alleles (0.0032%); highest among the groups gnomAD compares: Non-Finnish European, 0.0042%; no homozygotes.

Submissions (2):

Labcorp Genetics (formerly Invitae), Labcorp
Classification: Uncertain significance. Last evaluated: 2025-09-29. Review status: criteria provided, single submitter. Criteria: Invitae Variant Classification Sherloc (09022015). Collection method: clinical testing. Allele origin: germline.
Comment: This sequence change replaces glutamine, which is neutral and polar, with histidine, which is basic and polar, at codon 404 of the FAT4 protein (p.Gln404His). This variant is present in population databases (rs368581391, gnomAD 0.005%). This variant has not been reported in the literature in individuals affected with FAT4-related conditions. ClinVar contains an entry for this variant (Variation ID: 2903006). Invitae Evidence Modeling of protein sequence and biophysical properties (such as structural, functional, and spatial information, amino acid conservation, physicochemical variation, residue mobility, and thermodynamic stability) indicates that this missense variant is not expected to disrupt FAT4 protein function with a negative predictive value of 80%. In summary, the available evidence is currently insufficient to determine the role of this variant in disease. Therefore, it has been classified as a Variant of Uncertain Significance.

Fulgent Genetics
Classification: Uncertain significance for Van Maldergem syndrome 2; Hennekam lymphangiectasia-lymphedema syndrome 2. Last evaluated: 2024-04-15. Review status: criteria provided, single submitter. Criteria: ACMG Guidelines, 2015. Collection method: clinical testing. Allele origin: germline.